The following is an entry in ClinVar:

NM_000270.4(PNP):c.508A>G (p.Met170Val)

Gene: PNP (purine nucleoside phosphorylase; plus strand). Cytogenetic location: 14q11.2.
Variant type: single nucleotide variant.
Coding change: c.508A>G on transcript NM_000270.4 (MANE Select); coding-DNA position 508, A replaced by G.
Protein change: p.Met170Val; replaces methionine 170 with valine.
Molecular consequence: missense variant.
Genome position (GRCh38, 1-based): chr14:20,475,108, A>G. VCF-style: chr14-20475108-A-G. GRCh37 (hg19) VCF-style: chr14-20943267-A-G.
Other names: p.Met170Val; c.508A>G (NM_000270.3); short protein forms M170V.
Identifiers: ClinVar variation 1484678 (VCV001484678.8), dbSNP rs369994873, ClinGen allele CA389145552.

ClinVar aggregate classification (germline): Uncertain significance. Review status: criteria provided, multiple submitters, no conflicts (2 of 4 stars). 3 submissions from 3 submitters: Uncertain significance (3). Last evaluated 2025-05-12.

Conditions:
Inborn genetic diseases. Identifiers: MedGen C0950123, MeSH D030342.
Purine-nucleoside phosphorylase deficiency. Also called: Immunodeficiency due to purine nucleoside phosphorylase deficiency; NUCLEOSIDE PHOSPHORYLASE DEFICIENCY. Identifiers: Orphanet 760, MedGen C0268125, MONDO:0013171, OMIM 613179.

Submissions (3):

Mayo Clinic Laboratories, Mayo Clinic
Classification: Uncertain significance. Last evaluated: 2025-05-12. Review status: criteria provided, single submitter. Criteria: ACMG Guidelines, 2015. Collection method: clinical testing. Allele origin: germline. Observed: 1 variant allele.
Comment: BP4, PM2_supporting

Ambry Genetics
Classification: Uncertain significance for Inborn genetic diseases. Last evaluated: 2024-03-18. Review status: criteria provided, single submitter. Criteria: Ambry Variant Classification Scheme 2023. Collection method: clinical testing. Allele origin: germline.

Labcorp Genetics (formerly Invitae), Labcorp
Classification: Uncertain significance for Purine-nucleoside phosphorylase deficiency. Last evaluated: 2022-05-31. Review status: criteria provided, single submitter. Criteria: Invitae Variant Classification Sherloc (09022015). Collection method: clinical testing. Allele origin: germline.
Comment: Algorithms developed to predict the effect of sequence changes on RNA splicing suggest that this variant may create or strengthen a splice site. Algorithms developed to predict the effect of missense changes on protein structure and function are either unavailable or do not agree on the potential impact of this missense change (SIFT: "Deleterious"; PolyPhen-2: "Benign"; Align-GVGD: "Class C0"). ClinVar contains an entry for this variant (Variation ID: 1484678). This variant has not been reported in the literature in individuals affected with PNP-related conditions. This variant is present in population databases (no rsID available, gnomAD 0.002%). This sequence change replaces methionine, which is neutral and non-polar, with valine, which is neutral and non-polar, at codon 170 of the PNP protein (p.Met170Val). In summary, the available evidence is currently insufficient to determine the role of this variant in disease. Therefore, it has been classified as a Variant of Uncertain Significance.